The following is an entry in ClinVar:

NM_001458.5(FLNC):c.2286C>G (p.Ser762Arg)

Gene: FLNC (filamin C; plus strand). Cytogenetic location: 7q32.1.
Variant type: single nucleotide variant.
Coding change: c.2286C>G on transcript NM_001458.5 (MANE Select); coding-DNA position 2286, C replaced by G.
Protein change: p.Ser762Arg; replaces serine 762 with arginine.
Molecular consequence: missense variant.
Genome position (GRCh38, 1-based): chr7:128,842,595, C>G. VCF-style: chr7-128842595-C-G. GRCh37 (hg19) VCF-style: chr7-128482649-C-G.
Other names: c.2286C>G, p.Ser762Arg (NM_001127487.2); short protein forms S762R.
Identifiers: ClinVar variation 1474228 (VCV001474228.8), dbSNP rs1160582987, ClinGen allele CA369191091.

ClinVar aggregate classification (germline): Uncertain significance (1 of 4 stars; one submission).

Conditions:
Distal myopathy with posterior leg and anterior hand involvement. Also called: WILLIAMS DISTAL MYOPATHY. Identifiers: Orphanet 63273, MedGen C3279722, MONDO:0013550, OMIM 614065.
Hypertrophic cardiomyopathy 26. Also called: Cardiomyopathy, familial hypertrophic, 26. Identifiers: Orphanet 75249, MedGen C4310749, MONDO:0014883, OMIM 617047.
Myofibrillar myopathy 5. Also called: FILAMINOPATHY, AUTOSOMAL DOMINANT; Filaminopathy (type). Identifiers: Orphanet 171445, MedGen C1836050, MONDO:0012289, OMIM 609524.

Submission:

Labcorp Genetics (formerly Invitae), Labcorp
Classification: Uncertain significance for Distal myopathy with posterior leg and anterior hand involvement; Myofibrillar myopathy 5; Hypertrophic cardiomyopathy 26. Last evaluated: 2021-03-22. Review status: criteria provided, single submitter. Criteria: Invitae Variant Classification Sherloc (09022015). Collection method: clinical testing. Allele origin: germline.
Comment: In summary, the available evidence is currently insufficient to determine the role of this variant in disease. Therefore, it has been classified as a Variant of Uncertain Significance. Algorithms developed to predict the effect of missense changes on protein structure and function are either unavailable or do not agree on the potential impact of this missense change (SIFT: "Deleterious"; PolyPhen-2: "Benign"; Align-GVGD: "Class C0"). This variant has not been reported in the literature in individuals with FLNC-related conditions. This variant is not present in population databases (ExAC no frequency). This sequence change replaces serine with arginine at codon 762 of the FLNC protein (p.Ser762Arg). The serine residue is moderately conserved and there is a moderate physicochemical difference between serine and arginine.